The following is an entry in ClinVar:

ClinVar aggregate classification (germline): Uncertain significance (1 of 4 stars; one submission).

Conditions:
Saldino-Mainzer syndrome (SRTD9). Also called: CONORENAL SYNDROME; Renal dysplasia, retinal pigmentary dystrophy, cerebellar ataxia and skeletal dysplasia; SHORT-RIB THORACIC DYSPLASIA 9 WITHOUT POLYDACTYLY; short-rib thoracic dysplasia 9 with or without polydactyly. Identifiers: Orphanet 140969, MedGen C1849437, MONDO:0009964, OMIM 266920.

Submission:

Labcorp Genetics (formerly Invitae), Labcorp
Classification: Uncertain significance for Saldino-Mainzer syndrome. Last evaluated: 2021-04-23. Review status: criteria provided, single submitter. Criteria: Invitae Variant Classification Sherloc (09022015). Collection method: clinical testing. Allele origin: germline.
Comment: This sequence change replaces serine with glycine at codon 902 of the IFT140 protein (p.Ser902Gly). The serine residue is weakly conserved and there is a small physicochemical difference between serine and glycine. This variant is not present in population databases (ExAC no frequency). This variant has not been reported in the literature in individuals with IFT140-related conditions. Algorithms developed to predict the effect of missense changes on protein structure and function (SIFT, PolyPhen-2, Align-GVGD) all suggest that this variant is likely to be tolerated, but these predictions have not been confirmed by published functional studies and their clinical significance is uncertain. In summary, the available evidence is currently insufficient to determine the role of this variant in disease. Therefore, it has been classified as a Variant of Uncertain Significance.

NM_014714.4(IFT140):c.2704A>G (p.Ser902Gly)

Gene: IFT140 (intraflagellar transport 140; minus strand). Cytogenetic location: 16p13.3.
Variant type: single nucleotide variant.
Coding change: c.2704A>G on transcript NM_014714.4 (MANE Select); coding-DNA position 2704, A replaced by G.
Protein change: p.Ser902Gly; replaces serine 902 with glycine.
Molecular consequence: missense variant.
Genome position (GRCh38, 1-based): chr16:1,525,951, T>C on the plus strand (A>G on the coding strand, the complement: IFT140 is on the minus strand). VCF-style: chr16-1525951-T-C. GRCh37 (hg19) VCF-style: chr16-1575952-T-C.
Other names: short protein forms S902G.
Identifiers: ClinVar variation 1369587 (VCV001369587.7), dbSNP rs1433656005, ClinGen allele CA394227326.